The following is an entry in ClinVar:

ClinVar aggregate classification (germline): Uncertain significance (1 of 4 stars; one submission).

Conditions:
HTR2C-related disorder. Also called: HTR2C-related condition.

Allele frequency attached by ClinVar (database versions not stated): gnomAD exomes below 0.00001; TOPMed 0.00001.
gnomAD v4.1: 3 of 1,211,438 alleles (0.00025%); highest among the groups gnomAD compares: Non-Finnish European, 0.00022%; no homozygotes.

Submission:

PreventionGenetics, part of Exact Sciences
Classification: Uncertain significance for HTR2C-related condition. Last evaluated: 2026-01-12. Review status: criteria provided, single submitter. Criteria: ACMG Guidelines, 2015. Collection method: clinical testing. Allele origin: germline.
Comment: The HTR2C c.1170G>T variant is predicted to result in the amino acid substitution p.Glu390Asp. To our knowledge, this variant has not been reported in the literature or in a large population database (gnomAD), indicating this variant is rare. At this time, the clinical significance of this variant is uncertain due to the absence of conclusive functional and genetic evidence.

NM_000868.4(HTR2C):c.1170G>T (p.Glu390Asp)

Genes: HTR2C (5-hydroxytryptamine receptor 2C; plus strand), LOC126863306 (MED14-independent group 3 enhancer GRCh37_chrX:114140926-114142125; plus strand). Cytogenetic location: Xq23.
Variant type: single nucleotide variant.
Coding change: c.1170G>T on transcript NM_000868.4 (MANE Select); coding-DNA position 1170, G replaced by T.
Protein change: p.Glu390Asp; replaces glutamic acid 390 with aspartic acid.
Molecular consequence: missense variant. On other transcripts: 3 prime UTR variant (1).
Genome position (GRCh38, 1-based): chrX:114,907,208, G>T. VCF-style: chrX-114907208-G-T. GRCh37 (hg19) VCF-style: chrX-114141771-G-T.
Other names: c.1170G>T, p.Glu390Asp (NM_001256760.3); c.*328G>T (NM_001256761.3); short protein forms E390D.
Identifiers: ClinVar variation 1339863 (VCV001339863.3), dbSNP rs2071382276, ClinGen allele CA414322555.